The following is an entry in ClinVar:

ClinVar aggregate classification (germline): Benign. Review status: criteria provided, multiple submitters, no conflicts (2 of 4 stars). 2 submissions from 2 submitters: Benign (2). Last evaluated 2018-06-14.

Allele frequency attached by ClinVar (database versions not stated): gnomAD exomes 0.24067; gnomAD 0.30923 and 0.31333; TOPMed 0.32891; 1000 Genomes Project 0.42033.
gnomAD v4.1: 365,727 of 1,469,576 alleles (25%); highest among the groups gnomAD compares: East Asian, 72%; 53,795 homozygotes.

Submissions (2):

GeneDx
Classification: Benign. Last evaluated: 2018-06-14. Review status: criteria provided, single submitter. Criteria: GeneDx Variant Classification (06012015). Collection method: clinical testing. Allele origin: germline. Affected: yes.
Comment: This variant is considered likely benign or benign based on one or more of the following criteria: it is a conservative change, it occurs at a poorly conserved position in the protein, it is predicted to be benign by multiple in silico algorithms, and/or has population frequency not consistent with disease.

Breakthrough Genomics
Classification: Benign. Review status: criteria provided, single submitter. Criteria: ACMG Guidelines, 2015. Collection method: not provided. Allele origin: germline. Inheritance: Autosomal recessive inheritance. Affected: yes.

NM_001852.4(COL9A2):c.150+85T>G

Gene: COL9A2 (collagen type IX alpha 2 chain; minus strand). Cytogenetic location: 1p34.2.
Variant type: single nucleotide variant.
Coding change: c.150+85T>G on transcript NM_001852.4 (MANE Select); 85 bases into the intron after coding-DNA position 150, T replaced by G.
Molecular consequence: intron variant.
Genome position (GRCh38, 1-based): chr1:40,315,505, A>C on the plus strand (T>G on the coding strand, the complement: COL9A2 is on the minus strand). VCF-style: chr1-40315505-A-C. GRCh37 (hg19) VCF-style: chr1-40781177-A-C.
Identifiers: ClinVar variation 678063 (VCV000678063.2), dbSNP rs115504008, ClinGen allele CA10669129.